The following is an entry in ClinVar:

NM_001009999.3(KDM1A):c.1064C>T (p.Thr355Ile)

Gene: KDM1A (lysine demethylase 1A; plus strand). Cytogenetic location: 1p36.12.
Variant type: single nucleotide variant.
Coding change: c.1064C>T on transcript NM_001009999.3 (MANE Select); coding-DNA position 1064, C replaced by T.
Protein change: p.Thr355Ile; replaces threonine 355 with isoleucine.
Molecular consequence: missense variant.
Genome position (GRCh38, 1-based): chr1:23,057,557, C>T. VCF-style: chr1-23057557-C-T. GRCh37 (hg19) VCF-style: chr1-23384050-C-T.
Other names: c.1004C>T, p.Thr335Ile (NM_001363654.2, NM_001410763.1, NM_015013.4); c.1064C>T, p.Thr355Ile (NM_001410762.1); short protein forms T355I, T335I.
Identifiers: ClinVar variation 4622683 (VCV004622683.1).

ClinVar aggregate classification (germline): Uncertain significance (1 of 4 stars; one submission).

Conditions:
Inborn genetic diseases. Identifiers: MedGen C0950123, MeSH D030342.

Submission:

Ambry Genetics
Classification: Uncertain significance for Inborn genetic diseases. Last evaluated: 2025-10-22. Review status: criteria provided, single submitter. Criteria: Ambry Variant Classification Scheme 2023. Collection method: clinical testing. Allele origin: germline.
Comment: The p.T355I variant (also known as c.1064C>T), located in coding exon 8 of the KDM1A gene, results from a C to T substitution at nucleotide position 1064. The threonine at codon 355 is replaced by isoleucine, an amino acid with similar properties. This amino acid position is conserved. In addition, this alteration is predicted to be deleterious by in silico analysis. Based on the available evidence, the clinical significance of this variant remains unclear.